The following is an entry in ClinVar:

ClinVar aggregate classification (germline): Benign (0 of 4 stars; one submission).

Conditions:
ATF3-related disorder. Also called: ATF3-related condition.

Allele frequency attached by ClinVar (database versions not stated): 1000 Genomes Project 30x 0.00422; 1000 Genomes Project 0.00439; TOPMed 0.00451; ESP Exome Variant Server 0.00454; gnomAD 0.00549; ExAC 0.00647.
gnomAD v4.1: 11,031 of 1,613,840 alleles (0.68%); highest among the groups gnomAD compares: South Asian, 1.1%; 51 homozygotes.

Submission:

PreventionGenetics, part of Exact Sciences
Classification: Benign for ATF3-related condition. Last evaluated: 2019-05-07. Review status: no assertion criteria provided. Collection method: clinical testing. Allele origin: germline.
Comment: This variant is classified as benign based on ACMG/AMP sequence variant interpretation guidelines (Richards et al. 2015 PMID: 25741868, with internal and published modifications).

NM_001674.4(ATF3):c.*6C>T

Gene: ATF3 (activating transcription factor 3; plus strand). Cytogenetic location: 1q32.3.
Variant type: single nucleotide variant.
Coding change: c.*6C>T on transcript NM_001674.4 (MANE Select); 6 bases downstream of the stop codon, C replaced by T.
Molecular consequence: 3 prime UTR variant.
Genome position (GRCh38, 1-based): chr1:212,619,561, C>T. VCF-style: chr1-212619561-C-T. GRCh37 (hg19) VCF-style: chr1-212792903-C-T.
Other names: c.*6C>T (NM_001030287.4, NM_001206484.3, NM_001206488.3); c.*456C>T (NM_001040619.3, NM_001206486.2).
Identifiers: ClinVar variation 3038017 (VCV003038017.2), dbSNP rs45627140, ClinGen allele CA1384528.
Genomic context (GRCh38, chr1:212,619,561, plus strand): 5'-AGATGAGAGAAACCTCTTTATCCAACAGATAAAAGAAGGAACATTGCAGAGCTAAGCAGT[C>T]GTGGTATGGGGGCGACTGGGGAGTCCTCATTGAATCCTCATTTTATACCCAAAACCCTGA-3'